The following is an entry in ClinVar:

ClinVar aggregate classification (germline): Pathogenic (1 of 4 stars; one submission).

Conditions:
Hereditary spastic paraplegia 4. Also called: Spastic paraplegia 4, autosomal dominant; Familial spastic paraplegia autosomal dominant 2; Spastic Paraplegia 4. Identifiers: Orphanet 100985, MedGen C1866855, MONDO:0008438, OMIM 182601.

Submission:

Labcorp Genetics (formerly Invitae), Labcorp
Classification: Pathogenic for Hereditary spastic paraplegia 4. Last evaluated: 2022-02-03. Review status: criteria provided, single submitter. Criteria: Invitae Variant Classification Sherloc (09022015). Collection method: clinical testing. Allele origin: germline.
Comment: This sequence change creates a premature translational stop signal (p.Asn326Lysfs*6) in the SPAST gene. It is expected to result in an absent or disrupted protein product. Loss-of-function variants in SPAST are known to be pathogenic (PMID: 20932283). This variant is not present in population databases (gnomAD no frequency). For these reasons, this variant has been classified as Pathogenic. ClinVar contains an entry for this variant (Variation ID: 834811). This variant is also known as c.977-978insA. This premature translational stop signal has been observed in individual(s) with hereditary spastic paraplegia (PMID: 20932283).

Literature cited by the submitters: PubMed 20932283.

NM_014946.4(SPAST):c.977dup (p.Asn326fs)

Gene: SPAST (spastin; plus strand). Cytogenetic location: 2p22.3.
Variant type: Duplication.
Coding change: c.977dup on transcript NM_014946.4 (MANE Select); coding-DNA position 977, one base duplicated (A; older notation c.977dupA).
Protein change: p.Asn326fs; shifts the reading frame from asparagine 326.
Molecular consequence: frameshift variant.
Genome position (GRCh38, 1-based): chr2:32,115,808, A duplicated; the last of 2 consecutive A bases (chr2:32,115,807-32,115,808); duplicating either gives the same sequence. VCF-style (leftmost placement, unchanged base first): chr2-32115806-T-TA. GRCh37 (hg19) VCF-style: chr2-32340875-T-TA.
Other names: c.974dup, p.Asn325fs (NM_001363823.2); c.878dup, p.Asn293fs (NM_001363875.2); c.881dup, p.Asn294fs (NM_001377959.1, NM_199436.2); short protein forms N293fs, N294fs, N326fs, N325fs.
Identifiers: ClinVar variation 834811 (VCV000834811.9), dbSNP rs1678810039, ClinGen allele CA916082170.